The following is an entry in ClinVar:

ClinVar aggregate classification (germline): Benign. Review status: criteria provided, multiple submitters, no conflicts (2 of 4 stars). 2 submissions from 2 submitters: Benign (2). Last evaluated 2018-06-14.

Allele frequency attached by ClinVar (database versions not stated): 1000 Genomes Project 0.22843; gnomAD 0.28831.
gnomAD v4.1: 36,416 of 120,802 alleles (30%); highest among the groups gnomAD compares: Middle Eastern, 62%; 6,871 homozygotes.

Submissions (2):

GeneDx
Classification: Benign. Last evaluated: 2018-06-14. Review status: criteria provided, single submitter. Criteria: GeneDx Variant Classification (06012015). Collection method: clinical testing. Allele origin: germline. Affected: yes.
Comment: This variant is considered likely benign or benign based on one or more of the following criteria: it is a conservative change, it occurs at a poorly conserved position in the protein, it is predicted to be benign by multiple in silico algorithms, and/or has population frequency not consistent with disease.

Breakthrough Genomics
Classification: Benign. Review status: criteria provided, single submitter. Criteria: ACMG Guidelines, 2015. Collection method: not provided. Allele origin: germline. Inheritance: Autosomal recessive inheritance. Affected: yes.

NM_002768.5(CHMP1A):c.253-230A>G

Gene: CHMP1A (charged multivesicular body protein 1A; minus strand). Cytogenetic location: 16q24.3.
Variant type: single nucleotide variant.
Coding change: c.253-230A>G on transcript NM_002768.5 (MANE Select); 230 bases into the intron before coding-DNA position 253, A replaced by G.
Molecular consequence: intron variant.
Genome position (GRCh38, 1-based): chr16:89,647,561, T>C on the plus strand (A>G on the coding strand, the complement: CHMP1A is on the minus strand). VCF-style: chr16-89647561-T-C. GRCh37 (hg19) VCF-style: chr16-89713969-T-C.
Other names: c.233-230A>G (NM_001083314.4).
Identifiers: ClinVar variation 680109 (VCV000680109.2), dbSNP rs428232, ClinGen allele CA14359774.